The following is an entry in ClinVar:

NM_000321.3(RB1):c.517_518insTCGAT (p.Tyr173fs)

Gene: RB1 (RB transcriptional corepressor 1; plus strand). Cytogenetic location: 13q14.2.
Variant type: Insertion.
Coding change: c.517_518insTCGAT on transcript NM_000321.3 (MANE Select); coding-DNA positions 517 to 518, TCGAT inserted.
Protein change: p.Tyr173fs; shifts the reading frame from tyrosine 173.
Molecular consequence: frameshift variant.
Genome position: GRCh38 VCF-style: chr13-48347839-T-TATTCG. GRCh37 (hg19) VCF-style: chr13-48921975-T-TATTCG.
Other names: c.517_518insTCGAT, p.Tyr173fs (NM_001407165.1, NM_001407166.1); short protein forms Y173fs.
Identifiers: ClinVar variation 2833060 (VCV002833060.3), dbSNP rs2542163666, ClinGen allele CA2739277602.
Genomic context (GRCh38, chr13:48,347,839, plus strand): 5'-TAAATTACGAAAAAATGTTAAAAAGTCATAATGTTTTTCTTTTCAGGACATGTGAACTTA[T>TATTCG]ATATTTGACACAACCCAGCAGTTCGTAAGTAGTTCACAGAATGTTATTTTTCACTTAAAA-3'

ClinVar aggregate classification (germline): Pathogenic (1 of 4 stars; one submission).

Conditions:
Retinoblastoma (RB1). Also called: RETINOBLASTOMA, SOMATIC. Identifiers: Orphanet 790, MedGen C0035335, MeSH D012175, MONDO:0008380, OMIM 180200, HP:0009919. Disease mechanism: loss of function. Inheritance: Both sporadic and heritable forms are tested..

Submission:

Labcorp Genetics (formerly Invitae), Labcorp
Classification: Pathogenic for Retinoblastoma. Last evaluated: 2023-01-30. Review status: criteria provided, single submitter. Criteria: Invitae Variant Classification Sherloc (09022015). Collection method: clinical testing. Allele origin: germline.
Comment: This sequence change creates a premature translational stop signal (p.Tyr173Phefs*4) in the RB1 gene. It is expected to result in an absent or disrupted protein product. Loss-of-function variants in RB1 are known to be pathogenic (PMID: 17096365). This variant is not present in population databases (gnomAD no frequency). This variant has not been reported in the literature in individuals affected with RB1-related conditions. For these reasons, this variant has been classified as Pathogenic.

Literature cited by the submitters: PubMed 17096365.